The following is an entry in ClinVar:

ClinVar aggregate classification (germline): Uncertain significance (1 of 4 stars; one submission).

gnomAD v4.1: 7 of 1,204,642 alleles (0.00058%); highest among the groups gnomAD compares: Admixed American, 0.0088%; no homozygotes.

Submission:

Ambry Genetics
Classification: Uncertain significance. Last evaluated: 2025-10-02. Review status: criteria provided, single submitter. Criteria: Ambry Variant Classification Scheme 2023. Collection method: clinical testing. Allele origin: germline.
Comment: The c.7052G>A (p.S2351N) alteration is located in exon 11 (coding exon 8) of the ADGRG4 gene. This alteration results from a G to A substitution at nucleotide position 7052, causing the serine (S) at amino acid position 2351 to be replaced by an asparagine (N). Based on data from gnomAD, the A allele has an overall frequency of 0.001% (1/180698) total alleles studied. The highest observed frequency was <0.001% (/) of alleles. Based on insufficient or conflicting evidence, the clinical significance of this alteration remains unclear.

NM_153834.4(ADGRG4):c.7052G>A (p.Ser2351Asn)

Gene: ADGRG4 (adhesion G protein-coupled receptor G4; plus strand). Cytogenetic location: Xq26.3.
Variant type: single nucleotide variant.
Coding change: c.7052G>A on transcript NM_153834.4 (MANE Select); coding-DNA position 7052, G replaced by A.
Protein change: p.Ser2351Asn; replaces serine 2351 with asparagine.
Molecular consequence: missense variant.
Genome position (GRCh38, 1-based): chrX:136,359,363, G>A. VCF-style: chrX-136359363-G-A. GRCh37 (hg19) VCF-style: chrX-135441522-G-A.
Other names: short protein forms S2351N.
Identifiers: ClinVar variation 4638338 (VCV004638338.1).